The following is an entry in ClinVar:

ClinVar aggregate classification (germline): Conflicting classifications of pathogenicity. Review status: criteria provided, conflicting classifications (1 of 4 stars). 3 submissions from 3 submitters: Uncertain significance (2); Likely benign (1). Last evaluated 2022-08-31.

Conditions:
Intellectual disability. Also called: Intellectual functioning disability; intellectual disabilities; Intellectual developmental disorder. Identifiers: MedGen C3714756, MeSH D008607, MONDO:0001071, HP:0001249.
Early-infantile DEE. Also called: Ohtahara syndrome; Early infantile epileptic encephalopathy with suppression bursts; Early infantile epileptic encephalopathy. Identifiers: Orphanet 1934, MedGen C0393706, MONDO:0800491.

Allele frequency attached by ClinVar (database versions not stated): gnomAD 0.00001; gnomAD exomes 0.00001.
gnomAD v4.1: 6 of 1,614,042 alleles (0.00037%); highest among the groups gnomAD compares: Non-Finnish European, 0.00025%; no homozygotes.

Submissions (3):

Labcorp Genetics (formerly Invitae), Labcorp
Classification: Likely benign for Early-infantile DEE. Last evaluated: 2022-08-31. Review status: criteria provided, single submitter. Criteria: Invitae Variant Classification Sherloc (09022015). Collection method: clinical testing. Allele origin: germline.

Center for Statistical Genetics, Columbia University
Classification: Uncertain significance for Intellectual disability. Last evaluated: 2020-10-16. Review status: criteria provided, single submitter. Criteria: ACMG Guidelines, 2015. Collection method: research. Allele origin: unknown. Affected: yes.

GeneDx
Classification: Uncertain significance. Last evaluated: 2020-01-03. Review status: criteria provided, single submitter. Criteria: GeneDx Variant Classification Process June 2021. Collection method: clinical testing. Allele origin: germline. Affected: yes.
Comment: Not observed at a significant frequency in large population cohorts (Lek et al., 2016); The majority of missense variants in this gene are considered pathogenic (Stenson et al., 2014); In silico analysis supports that this missense variant does not alter protein structure/function; Has not been previously published as pathogenic or benign to our knowledge; This substitution is predicted to be in the cytoplasmic loop between the first and second homologous domains

NM_001165963.4(SCN1A):c.1891A>G (p.Met631Val)

Gene: SCN1A (sodium voltage-gated channel alpha subunit 1; minus strand). Cytogenetic location: 2q24.3.
Variant type: single nucleotide variant.
Coding change: c.1891A>G on transcript NM_001165963.4 (MANE Select); coding-DNA position 1891, A replaced by G.
Protein change: p.Met631Val; replaces methionine 631 with valine.
Molecular consequence: missense variant. On other transcripts: 5 prime UTR variant (1), non-coding transcript variant (1).
Genome position (GRCh38, 1-based): chr2:166,043,821, T>C on the plus strand (A>G on the coding strand, the complement: SCN1A is on the minus strand). VCF-style: chr2-166043821-T-C. GRCh37 (hg19) VCF-style: chr2-166900331-T-C.
Other names: c.1891A>G (NM_001165963.1); c.1891A>G, p.Met631Val (NM_001165964.3, NM_001202435.3, NM_001353948.2 and 7 more transcripts); c.1888A>G, p.Met630Val (NM_001353954.2, NM_001353955.2, NM_001353960.2); c.-535A>G (NM_001353961.2); short protein forms M630V, M631V.
Identifiers: ClinVar variation 981902 (VCV000981902.11), dbSNP rs1336507340, ClinGen allele CA349067355.